The following is an entry in ClinVar:

ClinVar aggregate classification (germline): Conflicting classifications of pathogenicity. Review status: criteria provided, conflicting classifications (1 of 4 stars). 8 submissions from 7 submitters: Pathogenic (1); Likely pathogenic (1); Uncertain significance (4). 2 of the submissions do not count toward it. Last evaluated 2025-11-10.

Conditions:
CFTR-related disorder (CFTR-RD). Also called: CFTR-related condition; CFTR-related disorders. Identifiers: MedGen C5924204, MONDO:7770004.
Cystic fibrosis (CF). Also called: MUCOVISCIDOSIS. Identifiers: Orphanet 586, MedGen C0010674, MONDO:0009061, OMIM 219700. Disease mechanism: loss of function.
Congenital bilateral aplasia of vas deferens from CFTR mutation (CBAVD). Identifiers: Orphanet 48, MedGen C0403814, MONDO:0010178, OMIM 277180. Disease mechanism: loss of function.

Allele frequency attached by ClinVar (database versions not stated): gnomAD 0.00002; TOPMed below 0.00001.
gnomAD v4.1: 19 of 1,603,022 alleles (0.0012%); highest among the groups gnomAD compares: Non-Finnish European, 0.0015%; no homozygotes.

Submissions (8):

Women's Health and Genetics/Laboratory Corporation of America, LabCorp
Classification: Uncertain significance. Last evaluated: 2025-11-10. Review status: criteria provided, single submitter. Criteria: LabCorp Variant Classification Summary - May 2015. Collection method: clinical testing. Allele origin: germline.
Comment: Variant summary: CFTR c.1694A>G (p.Asp565Gly) results in a non-conservative amino acid change located in the ATP-binding domain (IPR003439) of the encoded protein sequence. Algorithms developed to predict the effect of missense changes on protein structure and function all suggest that this variant is likely to be disruptive. The variant was absent in 250396 control chromosomes. The available data on variant occurrences in the general population are insufficient to allow any conclusion about variant significance. c.1694A>G has been reported in the literature in a heterozygous state in individuals affected with congenital bilateral absence of the vas deferens (CBAVD), disseminated bronchiectasis, pneumonia, nasal polyps, idiopathic chronic pancreatitis, and cystic fibrosis, but was also found in multiple unaffected individuals (e.g. Kanavakis_1998, Tzetis_2001, Pagani_2003, Steiner_2011, Raraigh_2022). In several of these cases and controls the variant was noted to co-occur in complex (i.e. in cis) with the c.2002C>T (p.Arg668Cys) variant (Pagani_2003). In addition, the variant was also reported in an individual affected with assumed CBAVD (i.e. obstructive azoospermia), who also carried a common pathogenic variant (Ooi_2014), however in this patient sweat chloride concentration was below 60 mmol/L, and nasal potential difference (NPD) was indicated to be normal. These data do not allow any conclusion about variant significance. At least one publication reported experimental evidence, and demonstrated that it resulted in a partial exon skipping in nasal epithelial cells derived from individuals carrying the variant, as well as in an in vitro minigene system (Pagani_2003). The variant might affect exonic splicing regulatory elements, as the extent of the splicing defect caused by the D565G variant in the minigene system was highly dissimilar among the five transfected cell lines, and the degree of splice defect was also heavily influenced by the co-transfection of various splicing factors (Pagani_2003). Therefore, these data do not allow clear conclusions about the variant effect in vivo. The following publications have been ascertained in the context of this evaluation (PMID: 18456578, 38324470, 9620832, 17076271, 24697796, 12719375, 34782259, 21520337, 11810271). ClinVar contains an entry for this variant (Variation ID: 53344). Based on the evidence outlined above, the variant was classified as uncertain significance.

Ambry Genetics
Classification: Uncertain significance for Cystic fibrosis. Last evaluated: 2023-03-02. Review status: criteria provided, single submitter. Criteria: Ambry Variant Classification Scheme 2023. Collection method: clinical testing. Allele origin: germline.
Comment: The p.D565G variant (also known as c.1694A>G), located in coding exon 13 of the CFTR gene, results from an A to G substitution at nucleotide position 1694. The aspartic acid at codon 565 is replaced by glycine, an amino acid with similar properties. This variant has been identified in several individuals with symptoms of cystic fibrosis or CFTR-related disorders in conjunction with p.R668C; in some individuals, these variants were shown to occur in cis (Kanavakis E et al. Mol Hum Reprod, 1998 Apr;4:333-7; Pagani F et al. Hum Mol Genet, 2003 May;12:1111-20). Analysis of exon skipping in 12 individuals with p.R688C in cis demonstrated increased exon skipping compared to controls in half, with the remaining half with similar levels to controls (Pagani F et al. Hum Mol Genet, 2003 May;12:1111-20). This amino acid position is highly conserved in available vertebrate species. In silico splice site analysis for this alteration is inconclusive. In addition, as a missense substitution this is predicted to be deleterious by in silico analysis. Since supporting evidence is limited at this time, the clinical significance of this alteration remains unclear.

Labcorp Genetics (formerly Invitae), Labcorp
Classification: Uncertain significance for Cystic fibrosis. Last evaluated: 2021-12-02. Review status: criteria provided, single submitter. Criteria: Invitae Variant Classification Sherloc (09022015). Collection method: clinical testing. Allele origin: germline.
Comment: This sequence change replaces aspartic acid, which is acidic and polar, with glycine, which is neutral and non-polar, at codon 565 of the CFTR protein (p.Asp565Gly). This variant is not present in population databases (gnomAD no frequency). This missense change has been observed in individual(s) with clinical features of CFTR-related conditions (PMID: 9620832, 21520337). ClinVar contains an entry for this variant (Variation ID: 53344). Algorithms developed to predict the effect of missense changes on protein structure and function (SIFT, PolyPhen-2, Align-GVGD) all suggest that this variant is likely to be tolerated. Studies have shown that this variant is associated with altered splicing, but the impact on the resulting protein product is unknown (PMID: 12719375). In summary, the available evidence is currently insufficient to determine the role of this variant in disease. Therefore, it has been classified as a Variant of Uncertain Significance.

Genome-Nilou Lab
Classification: Uncertain significance for Cystic fibrosis. Last evaluated: 2021-07-22. Review status: criteria provided, single submitter. Criteria: ACMG Guidelines, 2015. Collection method: clinical testing. Allele origin: germline. Affected: no.

Genome-Nilou Lab
Classification: Likely pathogenic for Congenital bilateral aplasia of vas deferens from CFTR mutation. Last evaluated: 2021-07-22. Review status: criteria provided, single submitter. Criteria: ACMG Guidelines, 2015. Collection method: clinical testing. Allele origin: germline. Affected: no.

CFTR-France
Classification: Pathogenic for cystic fibrosis; CFTR-related disorders. Last evaluated: 2018-01-29. Review status: criteria provided, single submitter. Criteria: Claustres M et al. (Hum Mutat 2017). Collection method: curation. Allele origin: germline. Affected: yes.
Comment: the variant causes a phenotype but regarding our data, we can't formally attribute it to CF, CFTR-RD or both

Natera, Inc.
Classification: Uncertain significance for CFTR-related disorders. Last evaluated: 2019-10-24. Review status: no assertion criteria provided. Collection method: clinical testing. Allele origin: germline. Not counted in ClinVar's aggregate classification.

ClinVar Staff, National Center for Biotechnology Information (NCBI)
No classification provided. Condition: CFTR-related disorders. Review status: no classification provided. Collection method: literature only. Allele origin: germline. Affected: yes. Not counted in ClinVar's aggregate classification.

Literature cited by the submitters: PubMed 12719375 (cited by 3 submitters); PubMed 18456578 (cited by Women's Health and Genetics/Laboratory Corporation of America, LabCorp and ClinVar Staff, National Center for Biotechnology Information (NCBI)); PubMed 21520337 (cited by Women's Health and Genetics/Laboratory Corporation of America, LabCorp and Labcorp Genetics (formerly Invitae), Labcorp); PubMed 11810271 (cited by Women's Health and Genetics/Laboratory Corporation of America, LabCorp); PubMed 9620832 (cited by 3 submitters); PubMed 24697796 (cited by Women's Health and Genetics/Laboratory Corporation of America, LabCorp); PubMed 17076271 (cited by Women's Health and Genetics/Laboratory Corporation of America, LabCorp); PubMed 34782259 (cited by Women's Health and Genetics/Laboratory Corporation of America, LabCorp); PubMed 38324470 (cited by Women's Health and Genetics/Laboratory Corporation of America, LabCorp).

NM_000492.4(CFTR):c.1694A>G (p.Asp565Gly)

Gene: CFTR (CF transmembrane conductance regulator; plus strand). Cytogenetic location: 7q31.2.
Variant type: single nucleotide variant.
Coding change: c.1694A>G on transcript NM_000492.4 (MANE Select); coding-DNA position 1694, A replaced by G.
Protein change: p.Asp565Gly; replaces aspartic acid 565 with glycine.
Molecular consequence: missense variant.
Genome position (GRCh38, 1-based): chr7:117,590,367, A>G. VCF-style: chr7-117590367-A-G. GRCh37 (hg19) VCF-style: chr7-117230421-A-G.
Other names: short protein forms D565G.
Identifiers: ClinVar variation 53344 (VCV000053344.17), dbSNP rs397508270, ClinGen allele CA326611.
Genomic context (GRCh38, chr7:117,590,367, plus strand): 5'-CAGGAAATAGAGAGGAAATGTAATTTAATTTCCATTTTCTTTTTAGAGCAGTATACAAAG[A>G]TGCTGATTTGTATTTATTAGACTCTCCTTTTGGATACCTAGATGTTTTAACAGAAAAAGA-3'
Protein context (NP_000483.3, residues 555-575): RISLARAVYK[Asp565Gly]ADLYLLDSPF